The following is an entry in ClinVar:

NM_018060.4(IARS2):c.2669T>G (p.Leu890Arg)

Gene: IARS2 (isoleucyl-tRNA synthetase 2, mitochondrial; plus strand). Cytogenetic location: 1q41.
Variant type: single nucleotide variant.
Coding change: c.2669T>G on transcript NM_018060.4 (MANE Select); coding-DNA position 2669, T replaced by G.
Protein change: p.Leu890Arg; replaces leucine 890 with arginine.
Molecular consequence: missense variant.
Genome position (GRCh38, 1-based): chr1:220,143,052, T>G. VCF-style: chr1-220143052-T-G. GRCh37 (hg19) VCF-style: chr1-220316394-T-G.
Other names: short protein forms L890R.
Identifiers: ClinVar variation 1355812 (VCV001355812.31), dbSNP rs1409898715, ClinGen allele CA344617711.
Genomic context (GRCh38, chr1:220,143,052, plus strand): 5'-GGAAAAAGCCCGGGTTGGAAGAAGCTGTGGAGAGTGCGTGTGCAATGCGAGACTCATTTC[T>G]TGGAAGCATCCCTGGCAAAAATGCAGCTGAGTACAAGGTTATCACTGTGATAGAACCTGG-3'
Protein context (NP_060530.3, residues 880-900): ESACAMRDSF[Leu890Arg]GSIPGKNAAE

ClinVar aggregate classification (germline): Uncertain significance. Review status: criteria provided, multiple submitters, no conflicts (2 of 4 stars). 3 submissions from 3 submitters: Uncertain significance (3). Last evaluated 2024-11-11.

Conditions:
Leigh syndrome (NULS). Also called: Leigh's necrotizing encephalopathy; Leigh's disease; Leigh's syndrome; Leigh Disease; Subacute necrotizing encephalopathy; Necrotizing encephalopathy infantile subacute of Leigh. Identifiers: Orphanet 506, MedGen C2931891, MONDO:0009723, OMIM 256000.

Allele frequency attached by ClinVar (database versions not stated): gnomAD exomes below 0.00001 and 0.00001.
gnomAD v4.1: 3 of 1,614,218 alleles (0.00019%); highest among the groups gnomAD compares: East Asian, 0.0022%; no homozygotes.

Submissions (3):

Labcorp Genetics (formerly Invitae), Labcorp
Classification: Uncertain significance. Last evaluated: 2024-11-11. Review status: criteria provided, single submitter. Criteria: Invitae Variant Classification Sherloc (09022015). Collection method: clinical testing. Allele origin: germline.
Comment: This sequence change replaces leucine, which is neutral and non-polar, with arginine, which is basic and polar, at codon 890 of the IARS2 protein (p.Leu890Arg). This variant is present in population databases (no rsID available, gnomAD 0.0009%). This variant has not been reported in the literature in individuals affected with IARS2-related conditions. ClinVar contains an entry for this variant (Variation ID: 1355812). An algorithm developed to predict the effect of missense changes on protein structure and function (PolyPhen-2) suggests that this variant is likely to be disruptive. In summary, the available evidence is currently insufficient to determine the role of this variant in disease. Therefore, it has been classified as a Variant of Uncertain Significance.

CeGaT Center for Human Genetics Tuebingen
Classification: Uncertain significance. Last evaluated: 2023-12-01. Review status: criteria provided, single submitter. Criteria: CeGaT Center For Human Genetics Tuebingen Variant Classification Criteria Version 2. Collection method: clinical testing. Allele origin: germline. Affected: yes. Observed: 1 variant allele.
Comment: IARS2: PP4:Moderate, PM2:Supporting

Laboratory of Inherited Metabolic Diseases, Research centre for medical genetics
Classification: Uncertain significance for Leigh syndrome. Last evaluated: 2023-01-31. Review status: criteria provided, single submitter. Criteria: ACMG Guidelines, 2015. Collection method: clinical testing. Allele origin: unknown. Inheritance: Autosomal recessive inheritance. Affected: yes. Observed: 1 variant allele.